The following is an entry in ClinVar:

ClinVar aggregate classification (germline): Benign. Review status: criteria provided, multiple submitters, no conflicts (2 of 4 stars). 2 submissions from 2 submitters: Benign (2). Last evaluated 2018-06-14.

Allele frequency attached by ClinVar (database versions not stated): TOPMed 0.49075; gnomAD 0.50244 and 0.50317; 1000 Genomes Project 30x 0.50453; 1000 Genomes Project 0.50978.
gnomAD v4.1: 611,336 of 1,223,612 alleles (50%); highest among the groups gnomAD compares: East Asian, 54%; 154,426 homozygotes.

Submissions (2):

GeneDx
Classification: Benign. Last evaluated: 2018-06-14. Review status: criteria provided, single submitter. Criteria: GeneDx Variant Classification (06012015). Collection method: clinical testing. Allele origin: germline. Affected: yes.
Comment: This variant is considered likely benign or benign based on one or more of the following criteria: it is a conservative change, it occurs at a poorly conserved position in the protein, it is predicted to be benign by multiple in silico algorithms, and/or has population frequency not consistent with disease.

Breakthrough Genomics
Classification: Benign. Review status: criteria provided, single submitter. Criteria: ACMG Guidelines, 2015. Collection method: not provided. Allele origin: germline. Inheritance: Autosomal dominant inheritance. Affected: yes.

NM_005619.5(RTN2):c.814+163A>T

Genes: OPA3-RTN2 (OPA3-RTN2 readthrough; minus strand), RTN2 (reticulon 2; minus strand). Cytogenetic location: 19q13.32.
Variant type: single nucleotide variant.
Coding change: c.814+163A>T on transcript NM_005619.5 (MANE Select); 163 bases into the intron after coding-DNA position 814, A replaced by T.
Molecular consequence: intron variant.
Genome position (GRCh38, 1-based): chr19:45,494,003, T>A on the plus strand (A>T on the coding strand, the complement: RTN2 is on the minus strand). VCF-style: chr19-45494003-T-A. GRCh37 (hg19) VCF-style: chr19-45997261-T-A.
Other names: c.814+163A>T (NM_206900.3).
Identifiers: ClinVar variation 669158 (VCV000669158.2), dbSNP rs10421736, ClinGen allele CA14677050.